The following is an entry in ClinVar:

NM_000026.4(ADSL):c.1272A>T (p.Ile424=)

Gene: ADSL (adenylosuccinate lyase; plus strand). Cytogenetic location: 22q13.1.
Variant type: single nucleotide variant.
Coding change: c.1272A>T on transcript NM_000026.4 (MANE Select); coding-DNA position 1272, A replaced by T.
Protein change: p.Ile424=; no amino-acid change (isoleucine 424 retained).
Molecular consequence: synonymous variant. On other transcripts: non-coding transcript variant (1), intron variant (1).
Genome position (GRCh38, 1-based): chr22:40,364,960, A>T. VCF-style: chr22-40364960-A-T. GRCh37 (hg19) VCF-style: chr22-40760964-A-T.
Other names: c.1080A>T, p.Ile360= (NM_001317923.2); c.1272A>T, p.Ile424= (NM_001363840.3); c.1191+595A>T (NM_001123378.3).
Identifiers: ClinVar variation 386682 (VCV000386682.4), dbSNP rs1057522571, ClinGen allele CA16608626.

ClinVar aggregate classification (germline): Likely benign. Review status: criteria provided, multiple submitters, no conflicts (2 of 4 stars). 2 submissions from 2 submitters: Likely benign (2). Last evaluated 2018-02-13.

Allele frequency attached by ClinVar (database versions not stated): gnomAD exomes below 0.00001 and 0.00002.
gnomAD v4.1: 24 of 1,614,160 alleles (0.0015%); highest among the groups gnomAD compares: Non-Finnish European, 0.002%; no homozygotes.

Submissions (2):

Labcorp Genetics (formerly Invitae), Labcorp
Classification: Likely benign. Last evaluated: 2018-02-13. Review status: criteria provided, single submitter. Criteria: Invitae Variant Classification Sherloc (09022015). Collection method: clinical testing. Allele origin: germline.

GeneDx
Classification: Likely benign. Last evaluated: 2016-06-01. Review status: criteria provided, single submitter. Criteria: GeneDx Variant Classification (06012015). Collection method: clinical testing. Allele origin: germline. Affected: yes.
Comment: This variant is considered likely benign or benign based on one or more of the following criteria: it is a conservative change, it occurs at a poorly conserved position in the protein, it is predicted to be benign by multiple in silico algorithms, and/or has population frequency not consistent with disease.